The following is an entry in ClinVar:

NM_206933.4(USH2A):c.1050T>C (p.Val350=)

Gene: USH2A (usherin; minus strand). Cytogenetic location: 1q41.
Variant type: single nucleotide variant.
Coding change: c.1050T>C on transcript NM_206933.4 (MANE Select); coding-DNA position 1050, T replaced by C.
Protein change: p.Val350=; no amino-acid change (valine 350 retained).
Molecular consequence: synonymous variant.
Genome position (GRCh38, 1-based): chr1:216,325,398, A>G on the plus strand (T>C on the coding strand, the complement: USH2A is on the minus strand). VCF-style: chr1-216325398-A-G. GRCh37 (hg19) VCF-style: chr1-216498740-A-G.
Other names: c.1050T>C, p.Val350= (NM_007123.6).
Identifiers: ClinVar variation 2170175 (VCV002170175.6), dbSNP rs749594977, ClinGen allele CA1396613.

ClinVar aggregate classification (germline): Likely benign. Review status: criteria provided, multiple submitters, no conflicts (2 of 4 stars). 2 submissions from 2 submitters: Likely benign (2). Last evaluated 2026-05-01.

Allele frequency attached by ClinVar (database versions not stated): TOPMed below 0.00001; gnomAD 0.00001; gnomAD exomes 0.00001; ExAC 0.00002.
gnomAD v4.1: 8 of 1,613,794 alleles (0.0005%); highest among the groups gnomAD compares: Admixed American, 0.012%; no homozygotes.

Submissions (2):

CeGaT Center for Human Genetics Tuebingen
Classification: Likely benign. Last evaluated: 2026-05-01. Review status: criteria provided, single submitter. Criteria: CeGaT Center For Human Genetics Tuebingen Variant Classification Criteria Version 2. Collection method: clinical testing. Allele origin: germline. Affected: yes. Observed: 1 variant allele.
Comment: USH2A: BP4, BP7

Labcorp Genetics (formerly Invitae), Labcorp
Classification: Likely benign. Last evaluated: 2025-07-14. Review status: criteria provided, single submitter. Criteria: Invitae Variant Classification Sherloc (09022015). Collection method: clinical testing. Allele origin: germline.